The following is an entry in ClinVar:

ClinVar aggregate classification (germline): Uncertain significance (1 of 4 stars; one submission).

Submission:

GeneDx
Classification: Uncertain significance. Last evaluated: 2022-05-11. Review status: criteria provided, single submitter. Criteria: GeneDx Variant Classification Process June 2021. Collection method: clinical testing. Allele origin: germline. Affected: yes.
Comment: Not observed at significant frequency in large population cohorts (gnomAD); In silico analysis supports that this missense variant has a deleterious effect on protein structure/function; Has not been previously published as pathogenic or benign to our knowledge

NM_207361.6(FREM2):c.7136C>G (p.Ser2379Cys)

Gene: FREM2 (FRAS1 related extracellular matrix 2; plus strand). Cytogenetic location: 13q13.3.
Variant type: single nucleotide variant.
Coding change: c.7136C>G on transcript NM_207361.6 (MANE Select); coding-DNA position 7136, C replaced by G.
Protein change: p.Ser2379Cys; replaces serine 2379 with cysteine.
Molecular consequence: missense variant.
Genome position (GRCh38, 1-based): chr13:38,857,954, C>G. VCF-style: chr13-38857954-C-G. GRCh37 (hg19) VCF-style: chr13-39432091-C-G.
Other names: short protein forms S2379C.
Identifiers: ClinVar variation 1723842 (VCV001723842.2), dbSNP rs2541494360, ClinGen allele CA387897985.
Genomic context (GRCh38, chr13:38,857,954, plus strand): 5'-ACATAGAAGAAATGAGCAGCATGGCAGATGTCACTTTTCCTTCTGTCCCTCAAATTGTAT[C>G]CCTGTTGATGTATGACGACACTTCCAAAGCTAAGGAGAGTGCTGAACCCATGTCTGGCTA-3'
Protein context (NP_997244.4, residues 2369-2389): VTFPSVPQIV[Ser2379Cys]LLMYDDTSKA